The following is an entry in ClinVar:

ClinVar aggregate classification (germline): Uncertain significance (1 of 4 stars; one submission).

Submission:

GeneDx
Classification: Uncertain significance. Last evaluated: 2024-05-31. Review status: criteria provided, single submitter. Criteria: GeneDx Variant Classification Process June 2021. Collection method: clinical testing. Allele origin: germline. Affected: yes.
Comment: Not observed at significant frequency in large population cohorts (gnomAD); In silico analysis supports that this missense variant has a deleterious effect on protein structure/function; Has not been previously published as pathogenic or benign to our knowledge

NM_175876.5(EXOC8):c.1208C>A (p.Ser403Tyr)

Gene: EXOC8 (exocyst complex component 8; minus strand). Cytogenetic location: 1q42.2.
Variant type: single nucleotide variant.
Coding change: c.1208C>A on transcript NM_175876.5 (MANE Select); coding-DNA position 1208, C replaced by A.
Protein change: p.Ser403Tyr; replaces serine 403 with tyrosine.
Molecular consequence: missense variant.
Genome position (GRCh38, 1-based): chr1:231,336,538, G>T on the plus strand (C>A on the coding strand, the complement: EXOC8 is on the minus strand). VCF-style: chr1-231336538-G-T. GRCh37 (hg19) VCF-style: chr1-231472284-G-T.
Other names: short protein forms S403Y.
Identifiers: ClinVar variation 3384452 (VCV003384452.1).